The following is an entry in ClinVar:

NM_198075.4(LRRC56):c.726C>G (p.Pro242=)

Gene: LRRC56 (leucine rich repeat containing 56; plus strand). Cytogenetic location: 11p15.5.
Variant type: single nucleotide variant.
Coding change: c.726C>G on transcript NM_198075.4 (MANE Select); coding-DNA position 726, C replaced by G.
Protein change: p.Pro242=; no amino-acid change (proline 242 retained).
Molecular consequence: synonymous variant.
Genome position (GRCh38, 1-based): chr11:551,232, C>G. VCF-style: chr11-551232-C-G. GRCh37 (hg19) VCF-style: chr11-551232-C-G.
Other names: c.726C>G (NM_198075.3).
Identifiers: ClinVar variation 1573993 (VCV001573993.11), dbSNP rs765509066, ClinGen allele CA5779802.

ClinVar aggregate classification (germline): Likely benign. Review status: criteria provided, multiple submitters, no conflicts (2 of 4 stars). 4 submissions from 4 submitters: Likely benign (4). Last evaluated 2026-07-14.

Conditions:
LRRC56-related disorder. Also called: LRRC56-related condition.

Allele frequency attached by ClinVar (database versions not stated): gnomAD 0.00001 and 0.00002; TOPMed 0.00002; gnomAD exomes 0.00007.
gnomAD v4.1: 58 of 1,547,100 alleles (0.0037%); highest among the groups gnomAD compares: Middle Eastern, 0.52%; 1 homozygote.

Submissions (4):

PreventionGenetics, part of Exact Sciences
Classification: Likely benign for LRRC56-related condition. Last evaluated: 2026-07-14. Review status: criteria provided, single submitter. Criteria: ACMG Guidelines, 2015. Collection method: clinical testing. Allele origin: germline.
Comment: This variant is classified as likely benign based on ACMG/AMP sequence variant interpretation guidelines (Richards et al. 2015 PMID: 25741868, with internal and published modifications).

Labcorp Genetics (formerly Invitae), Labcorp
Classification: Likely benign. Last evaluated: 2025-10-13. Review status: criteria provided, single submitter. Criteria: Invitae Variant Classification Sherloc (09022015). Collection method: clinical testing. Allele origin: germline.

Blueprint Genetics
Classification: Likely benign. Last evaluated: 2024-09-25. Review status: criteria provided, single submitter. Criteria: ACMG Guidelines, 2015. Collection method: clinical testing. Allele origin: germline.

Breakthrough Genomics
Classification: Likely benign. Review status: criteria provided, single submitter. Criteria: ACMG Guidelines, 2015. Collection method: not provided. Allele origin: germline. Inheritance: Autosomal recessive inheritance. Affected: yes.